The following is an entry in ClinVar:

ClinVar aggregate classification (germline): Uncertain significance (1 of 4 stars; one submission).

Conditions:
Gastrointestinal stromal tumor. Also called: Gastrointestinal stroma tumor; Gastrointestinal stromal tumor, somatic. Identifiers: Orphanet 44890, MedGen C0238198, MeSH D046152, MONDO:0011719, OMIM 606764, HP:0100723.

Submission:

Labcorp Genetics (formerly Invitae), Labcorp
Classification: Uncertain significance for Gastrointestinal stromal tumor. Last evaluated: 2024-10-24. Review status: criteria provided, single submitter. Criteria: Invitae Variant Classification Sherloc (09022015). Collection method: clinical testing. Allele origin: germline.
Comment: This sequence change replaces glutamine, which is neutral and polar, with histidine, which is basic and polar, at codon 551 of the PDGFRA protein (p.Gln551His). This variant also falls at the last nucleotide of exon 11, which is part of the consensus splice site for this exon. This variant is not present in population databases (gnomAD no frequency). This variant has not been reported in the literature in individuals affected with PDGFRA-related conditions. ClinVar contains an entry for this variant (Variation ID: 1996500). An algorithm developed to predict the effect of missense changes on protein structure and function (PolyPhen-2) suggests that this variant is likely to be disruptive. Variants that disrupt the consensus splice site are a relatively common cause of aberrant splicing (PMID: 17576681, 9536098). Algorithms developed to predict the effect of sequence changes on RNA splicing suggest that this variant may disrupt the consensus splice site. In summary, the available evidence is currently insufficient to determine the role of this variant in disease. Therefore, it has been classified as a Variant of Uncertain Significance.

Literature cited by the submitters: PubMed 17576681; PubMed 9536098.

NM_006206.6(PDGFRA):c.1653G>C (p.Gln551His)

Gene: PDGFRA (platelet derived growth factor receptor alpha; plus strand). Cytogenetic location: 4q12.
Variant type: single nucleotide variant.
Coding change: c.1653G>C on transcript NM_006206.6 (MANE Select); coding-DNA position 1653, G replaced by C.
Protein change: p.Gln551His; replaces glutamine 551 with histidine.
Molecular consequence: missense variant.
Genome position (GRCh38, 1-based): chr4:54,274,625, G>C. VCF-style: chr4-54274625-G-C. GRCh37 (hg19) VCF-style: chr4-55140792-G-C.
Other names: c.1653G>C, p.Gln551His (NM_001347827.2, NM_001347829.2); c.1728G>C, p.Gln576His (NM_001347828.2); c.1692G>C, p.Gln564His (NM_001347830.2); short protein forms Q564H, Q576H, Q551H.
Identifiers: ClinVar variation 1996500 (VCV001996500.4), dbSNP rs2110297128, ClinGen allele CA356893003.
Genomic context (GRCh38, chr4:54,274,625, plus strand): 5'-CCTGGTGCTGTTGGTGATTGTGATCATCTCACTTATTGTCCTGGTTGTCATTTGGAAACA[G>C]GTAGATATTTTCTCATAAAACTAAAGATCTTTGAAGCCAATGAGAACAAGCATAGCAACC-3'
Protein context (NP_006197.1, residues 541-561): SLIVLVVIWK[Gln551His]KPRYEIRWRV